The following is an entry in ClinVar:

NM_000435.3(NOTCH3):c.606A>G (p.Ala202=)

Gene: NOTCH3 (notch receptor 3; minus strand). Cytogenetic location: 19p13.12.
Variant type: single nucleotide variant.
Coding change: c.606A>G on transcript NM_000435.3 (MANE Select); coding-DNA position 606, A replaced by G.
Protein change: p.Ala202=; no amino-acid change (alanine 202 retained).
Molecular consequence: synonymous variant.
Genome position (GRCh38, 1-based): chr19:15,192,033, T>C on the plus strand (A>G on the coding strand, the complement: NOTCH3 is on the minus strand). VCF-style: chr19-15192033-T-C. GRCh37 (hg19) VCF-style: chr19-15302844-T-C.
Other names: p.Ala202=.
Identifiers: ClinVar variation 256148 (VCV000256148.34), dbSNP rs1043994, ClinGen allele CA9263852.

ClinVar aggregate classification (germline): Benign. Review status: criteria provided, multiple submitters, no conflicts (2 of 4 stars). 13 submissions from 12 submitters: Benign (10). 3 of the submissions do not count toward it. Last evaluated 2026-02-03.

Conditions:
Lateral meningocele syndrome (LMNS). Also called: NOTCH3-Related Lateral Meningocele Syndrome. Identifiers: Orphanet 2789, MedGen C1851710, MONDO:0007537, OMIM 130720.
Cerebral arteriopathy, autosomal dominant, with subcortical infarcts and leukoencephalopathy, type 1 (CADASIL1). Also called: CASIL; Cerebral arteriopathy with subcortical infarcts and leukoencephalopathy 1; DEMENTIA, HEREDITARY MULTIINFARCT TYPE; CADASIL 1. Identifiers: Orphanet 136, MedGen C4551768, MONDO:0000914, OMIM 125310.

Allele frequency attached by ClinVar (database versions not stated): 1000 Genomes Project 0.85583; ExAC 0.85812; 1000 Genomes Project 30x 0.85931; TOPMed 0.86485; gnomAD 0.87045 and 0.87319; ESP Exome Variant Server 0.88928.
gnomAD v4.1: 1,408,094 of 1,613,208 alleles (87%); highest among the groups gnomAD compares: African/African-American, 91%; 615,923 homozygotes.

Submissions (13):

Labcorp Genetics (formerly Invitae), Labcorp
Classification: Benign. Last evaluated: 2026-02-03. Review status: criteria provided, single submitter. Criteria: Invitae Variant Classification Sherloc (09022015). Collection method: clinical testing. Allele origin: germline.

Blueprint Genetics
Classification: Benign. Last evaluated: 2024-11-28. Review status: criteria provided, single submitter. Criteria: ACMG Guidelines, 2015. Collection method: clinical testing. Allele origin: germline.

Mayo Clinic Laboratories, Mayo Clinic
Classification: Benign. Last evaluated: 2022-04-26. Review status: criteria provided, single submitter. Criteria: ACMG Guidelines, 2015. Collection method: clinical testing. Allele origin: germline. Observed: 3,008 variant alleles.

Genome-Nilou Lab
Classification: Benign for Cerebral arteriopathy, autosomal dominant, with subcortical infarcts and leukoencephalopathy, type 1. Last evaluated: 2021-09-05. Review status: criteria provided, single submitter. Criteria: ACMG Guidelines, 2015. Collection method: clinical testing. Allele origin: germline. Affected: no.

Genome-Nilou Lab
Classification: Benign for Lateral meningocele syndrome. Last evaluated: 2021-09-05. Review status: criteria provided, single submitter. Criteria: ACMG Guidelines, 2015. Collection method: clinical testing. Allele origin: germline. Affected: no.

ARUP Laboratories, Molecular Genetics and Genomics, ARUP Laboratories
Classification: Benign. Last evaluated: 2021-01-14. Review status: criteria provided, single submitter. Criteria: ARUP Molecular Germline Variant Investigation Process 2021. Collection method: clinical testing. Allele origin: germline.

Illumina Laboratory Services, Illumina
Classification: Benign for Cerebral arteriopathy, autosomal dominant, with subcortical infarcts and leukoencephalopathy, type 1. Last evaluated: 2018-01-13. Review status: criteria provided, single submitter. Criteria: ICSL Variant Classification Criteria 13 December 2019. Collection method: clinical testing. Allele origin: germline.
Comment: This variant was observed in the ICSL laboratory as part of a predisposition screen in an ostensibly healthy population. It had not been previously curated by ICSL or reported in the Human Gene Mutation Database (HGMD: prior to June 1st, 2018), and was therefore a candidate for classification through an automated scoring system. Utilizing variant allele frequency, disease prevalence and penetrance estimates, and inheritance mode, an automated score was calculated to assess if this variant is too frequent to cause the disease. Based on the score and internal cut-off values, a variant classified as benign is not then subjected to further curation. The score for this variant resulted in a classification of benign for this disease.

GeneDx
Classification: Benign. Last evaluated: 2015-03-03. Review status: criteria provided, single submitter. Criteria: GeneDx Variant Classification Process June 2021. Collection method: clinical testing. Allele origin: germline. Affected: yes.

Breakthrough Genomics
Classification: Benign. Review status: criteria provided, single submitter. Criteria: ACMG Guidelines, 2015. Collection method: not provided. Allele origin: germline. Inheritance: Autosomal dominant inheritance. Affected: yes.

PreventionGenetics, part of Exact Sciences
Classification: Benign. Review status: criteria provided, single submitter. Criteria: ACMG Guidelines, 2015. Collection method: clinical testing. Allele origin: germline.

Clinical Genetics DNA and cytogenetics Diagnostics Lab, Erasmus MC, Erasmus Medical Center
Classification: Benign. Review status: no assertion criteria provided. Collection method: clinical testing. Allele origin: germline. Affected: yes. Study: VKGL Data-share Consensus. Not counted in ClinVar's aggregate classification.

Diagnostic Laboratory, Department of Genetics, University Medical Center Groningen
Classification: Benign. Review status: no assertion criteria provided. Collection method: clinical testing. Allele origin: germline. Affected: yes. Study: VKGL Data-share Consensus. Not counted in ClinVar's aggregate classification.

Genome Diagnostics Laboratory, Amsterdam University Medical Center
Classification: Benign. Review status: no assertion criteria provided. Collection method: clinical testing. Allele origin: germline. Affected: yes. Study: VKGL Data-share Consensus. Not counted in ClinVar's aggregate classification.